The following is an entry in ClinVar:

ClinVar aggregate classification (germline): Likely pathogenic. Review status: reviewed by expert panel (3 of 4 stars). 3 submissions from 3 submitters: Likely pathogenic (1). 2 of the submissions do not count toward it. Last evaluated 2026-09-22.

Conditions:
RPE65-related recessive retinopathy. Also called: Recessive RPE65 retinopathy. Identifiers: MedGen CN305526, MONDO:0100368.
Retinitis pigmentosa 20 (RP20). Identifiers: Orphanet 791, MedGen C3151086, MONDO:0013425, OMIM 613794.
Leber congenital amaurosis 2 (LCA2). Also called: Autosomal Recessive RPE65-Related Retinal Degeneration; AMAUROSIS CONGENITA OF LEBER II. Identifiers: Orphanet 65, MedGen C1859844, MONDO:0008765, OMIM 204100. Disease mechanism: loss of function.
Leber congenital amaurosis (LCA). Also called: Leber's amaurosis. Identifiers: Orphanet 65, MedGen C0339527, MeSH D057130, MONDO:0018998.

Submissions (3):

ClinGen Leber Congenital Amaurosis/early Onset Retinal Dystrophy Variant Curation Expert Panel, ClinGen
Classification: Likely pathogenic for RPE65-related recessive retinopathy. Last evaluated: 2026-09-22. Review status: reviewed by expert panel. Criteria: ClinGen LCAeoRD ACMG Specifications RPE65 V1.0.0. Collection method: curation. Allele origin: germline. Inheritance: Autosomal recessive inheritance.
Comment: NM_000329.3(RPE65):c.1282_1303del (p.Gly428MetfsTer5) is a frameshift variant that introduces a premature stop codon into exon 12 of 14, and is predicted to lead to nonsense-mediated decay in a gene in which loss-of-function is an established mechanism of disease (PVS1). This variant is absent from gnomAD v4.1.1 (PM2_Supporting). This variant has been reported in at least 1 proband with early-onset severe retinal dystrophy who harbored the variant in the compound heterozygous state with the NM_000329.3(RPE65):c.1078G>C (p.Ala360Pro) variant confirmed in trans (PMID: 19431183). However, the proband was not counted for PM3 in order to avoid circularity. In summary, this variant meets the criteria to be classified as likely pathogenic for RPE65-related recessive retinopathy based on the ACMG/AMP criteria applied, as specified by the ClinGen LCA / eoRD VCEP: PVS1 and PM2_Supporting. (VCEP specifications version 1.0.0).

Natera, Inc.
Classification: Pathogenic for Leber congenital amaurosis. Last evaluated: 2025-02-17. Review status: criteria provided, single submitter. Criteria: Natera Variant Classification Schema (03/2026). Collection method: clinical testing. Allele origin: germline. Not counted in ClinVar's aggregate classification.
Comment: The c.1282_1303del variant in RPE65 is a frameshift variant predicted to shift the reading frame beginning at codon 428 and leads to a stop codon 5 codons downstream. This variant is expected to result in nonsense mediated decay, truncation, or a dysfunctional protein product. This variant is rare in the general population with a frequency below the threshold expected for the associated phenotype(s). This variant has been observed in one or more individuals affected with the associated recessive disease, as either homozygous or compound heterozygous with a second variant (PMID: 19431183). Given the available evidence, this variant is classified as Pathogenic.

Labcorp Genetics (formerly Invitae), Labcorp
Classification: Pathogenic for Leber congenital amaurosis 2; Retinitis pigmentosa 20. Last evaluated: 2024-09-09. Review status: criteria provided, single submitter. Criteria: Invitae Variant Classification Sherloc (09022015). Collection method: clinical testing. Allele origin: germline. Not counted in ClinVar's aggregate classification.
Comment: This sequence change creates a premature translational stop signal (p.Gly428Metfs*5) in the RPE65 gene. It is expected to result in an absent or disrupted protein product. Loss-of-function variants in RPE65 are known to be pathogenic (PMID: 9326941, 9501220, 9843205, 18632300). This variant is not present in population databases (gnomAD no frequency). This variant has not been reported in the literature in individuals affected with RPE65-related conditions. ClinVar contains an entry for this variant (Variation ID: 2131688). For these reasons, this variant has been classified as Pathogenic.

Literature cited by the submitters: PubMed 19431183 (cited by Natera, Inc.); PubMed 9326941 (cited by Labcorp Genetics (formerly Invitae), Labcorp); PubMed 9501220 (cited by Labcorp Genetics (formerly Invitae), Labcorp); PubMed 9843205 (cited by Labcorp Genetics (formerly Invitae), Labcorp); PubMed 18632300 (cited by Labcorp Genetics (formerly Invitae), Labcorp).

NM_000329.3(RPE65):c.1282_1303del (p.Gly428fs)

Gene: RPE65 (retinoid isomerohydrolase RPE65; minus strand). Cytogenetic location: 1p31.3.
Variant type: Deletion.
Coding change: c.1282_1303del on transcript NM_000329.3 (MANE Select); coding-DNA positions 1282 to 1303, 22 bases deleted (GGGAAACCTTACACATATGCGT).
Protein change: p.Gly428fs; shifts the reading frame from glycine 428.
Molecular consequence: frameshift variant.
Genome position (GRCh38, 1-based): chr1:68,431,317-68,431,338, ACGCATATGTGTAAGGTTTCCC deleted on the plus strand (GGGAAACCTTACACATATGCGT on the coding strand, the reverse complement: RPE65 is on the minus strand); deleting any 22 consecutive bases within chr1:68,431,317-68,431,340 gives the same sequence; the c. name uses the placement nearest the transcript's 3' end. VCF-style (leftmost placement, unchanged base first): chr1-68431316-TACGCATATGTGTAAGGTTTCCC-T. GRCh37 (hg19) VCF-style: chr1-68896999-TACGCATATGTGTAAGGTTTCCC-T.
Other names: NM_000329.3(RPE65):c.1282_1303del; p.Gly428fs; c.1172_1193del22, p.Gly392Metfs (NM_001406853.1); c.1004_1025del22, p.Gly336Metfs (NM_001406856.1, NM_001406857.1); c.1282_1303del (NM_000329.2); short protein forms G428fs.
Identifiers: ClinVar variation 2131688 (VCV002131688.8), dbSNP rs2523402677, ClinGen allele CA2580063208.
Genomic context (GRCh38, chr1:68,431,316, plus strand): 5'-AAATATTAGTAAGAAGGATTAATTACCCTATCTGGAACAAAGTGATTCAAGCCAAGTCCA[TACGCATATGTGTAAGGTTTCCC>T]ACAATACTTCTGGTAATTGATTTGAGGAAACTCAAATGCTACGAAATAGAGCACATGCTT-3'